The following is an entry in ClinVar:

NM_001002292.4(WLS):c.1553_1554del (p.Phe518fs)

Genes: GNG12-AS1 (GNG12, DIRAS3 and WLS antisense RNA 1; plus strand), WLS (Wnt ligand secretion mediator; minus strand). Cytogenetic location: 1p31.3.
Variant type: Deletion.
Coding change: c.1553_1554del on transcript NM_001002292.4; coding-DNA positions 1553 to 1554, 2 bases deleted (TT; older notation c.1553_1554delTT).
Protein change: p.Phe518fs; shifts the reading frame from phenylalanine 518.
Molecular consequence: frameshift variant. On other transcripts: non-coding transcript variant (1).
Genome position (GRCh38, 1-based): chr1:68,098,710-68,098,711, AA deleted on the plus strand (TT on the coding strand, the reverse complement: WLS is on the minus strand); deleting any 2 consecutive bases within chr1:68,098,710-68,098,712 gives the same sequence; the c. name uses the placement nearest the transcript's 3' end. VCF-style (leftmost placement, unchanged base first): chr1-68098709-CAA-C. GRCh37 (hg19) VCF-style: chr1-68564392-CAA-C.
Other names: short protein forms F518fs.
Identifiers: ClinVar variation 3772070 (VCV003772070.13).

ClinVar aggregate classification (germline): Uncertain significance (1 of 4 stars; one submission).

Submission:

CeGaT Center for Human Genetics Tuebingen
Classification: Uncertain significance. Last evaluated: 2024-12-01. Review status: criteria provided, single submitter. Criteria: CeGaT Center For Human Genetics Tuebingen Variant Classification Criteria Version 2. Collection method: clinical testing. Allele origin: germline. Affected: yes. Observed: 1 variant allele.
Comment: WLS: PM2